The following is an entry in ClinVar:

NM_000245.4(MET):c.3713A>T (p.His1238Leu)

Gene: MET (MET proto-oncogene, receptor tyrosine kinase; plus strand). Cytogenetic location: 7q31.2.
Variant type: single nucleotide variant.
Coding change: c.3713A>T on transcript NM_000245.4 (MANE Select); coding-DNA position 3713, A replaced by T.
Protein change: p.His1238Leu; replaces histidine 1238 with leucine.
Molecular consequence: missense variant.
Genome position (GRCh38, 1-based): chr7:116,783,384, A>T. VCF-style: chr7-116783384-A-T. GRCh37 (hg19) VCF-style: chr7-116423438-A-T.
Other names: c.3767A>T, p.His1256Leu (NM_001127500.3); c.2423A>T, p.His808Leu (NM_001324402.2); c.3767A>T (LRG_662t1); short protein forms H1256L, H1238L, H808L.
Identifiers: ClinVar variation 574639 (VCV000574639.10), dbSNP rs1562935856, ClinGen allele CA368991704.

ClinVar aggregate classification (germline): Uncertain significance (1 of 4 stars; one submission).

Conditions:
Renal cell carcinoma. Identifiers: Orphanet 217071, MedGen C0007134, MeSH D002292, MONDO:0005086, HP:0005584.

gnomAD v4.1: 1 of 1,614,184 alleles (0.000062%); highest among the groups gnomAD compares: South Asian, 0.0011%; no homozygotes.

Submission:

Labcorp Genetics (formerly Invitae), Labcorp
Classification: Uncertain significance for Renal cell carcinoma. Last evaluated: 2018-02-13. Review status: criteria provided, single submitter. Criteria: Invitae Variant Classification Sherloc (09022015). Collection method: clinical testing. Allele origin: germline.
Comment: In summary, the available evidence is currently insufficient to determine the role of this variant in disease. Therefore, it has been classified as a Variant of Uncertain Significance. Algorithms developed to predict the effect of missense changes on protein structure and function (SIFT, PolyPhen-2, Align-GVGD) all suggest that this variant is likely to be disruptive, but these predictions have not been confirmed by published functional studies and their clinical significance is uncertain. This variant has not been reported in the literature in individuals with MET-related disease. This variant is not present in population databases (ExAC no frequency). This sequence change replaces histidine with leucine at codon 1256 of the MET protein (p.His1256Leu). The histidine residue is highly conserved and there is a moderate physicochemical difference between histidine and leucine.